The following is an entry in ClinVar:

NM_020964.3(EPG5):c.4231C>A (p.Leu1411Ile)

Gene: EPG5 (ectopic P-granules 5 autophagy tethering factor; minus strand). Cytogenetic location: 18q21.1.
Variant type: single nucleotide variant.
Coding change: c.4231C>A on transcript NM_020964.3 (MANE Select); coding-DNA position 4231, C replaced by A.
Protein change: p.Leu1411Ile; replaces leucine 1411 with isoleucine.
Molecular consequence: missense variant.
Genome position (GRCh38, 1-based): chr18:45,908,056, G>T on the plus strand (C>A on the coding strand, the complement: EPG5 is on the minus strand). VCF-style: chr18-45908056-G-T. GRCh37 (hg19) VCF-style: chr18-43488021-G-T.
Other names: c.4231C>A, p.Leu1411Ile (LRG_1234t1); short protein forms L1411I.
Identifiers: ClinVar variation 664237 (VCV000664237.7), dbSNP rs1406862002, ClinGen allele CA402339007.
Genomic context (GRCh38, chr18:45,908,056, plus strand): 5'-CATAATGCTTTGGTAGAGAAGGGATATAGGTATCTCCTTTTTGAAAATTCTCATCTTCTA[G>T]CCATAATATATATACATTGAAGAGCCTAAAAGATAAAAACATAATTATACGAAACATAAA-3'
Protein context (NP_066015.2, residues 1401-1421): VRLFNVYILW[Leu1411Ile]EDENFQKGDT

ClinVar aggregate classification (germline): Uncertain significance (1 of 4 stars; one submission).

Conditions:
Vici syndrome (VICIS). Identifiers: Orphanet 1493, MedGen C1855772, MONDO:0009452, OMIM 242840.

Allele frequency attached by ClinVar (database versions not stated): gnomAD exomes below 0.00001; TOPMed below 0.00001.
gnomAD v4.1: 1 of 1,551,472 alleles (0.000064%); highest among the groups gnomAD compares: Admixed American, 0.0019%; no homozygotes.

Submission:

Labcorp Genetics (formerly Invitae), Labcorp
Classification: Uncertain significance for Vici syndrome. Last evaluated: 2022-09-07. Review status: criteria provided, single submitter. Criteria: Invitae Variant Classification Sherloc (09022015). Collection method: clinical testing. Allele origin: germline.
Comment: This sequence change replaces leucine, which is neutral and non-polar, with isoleucine, which is neutral and non-polar, at codon 1411 of the EPG5 protein (p.Leu1411Ile). This variant is present in population databases (no rsID available, gnomAD 0.004%). This variant has not been reported in the literature in individuals affected with EPG5-related conditions. ClinVar contains an entry for this variant (Variation ID: 664237). Algorithms developed to predict the effect of missense changes on protein structure and function are either unavailable or do not agree on the potential impact of this missense change (SIFT: "Deleterious"; PolyPhen-2: "Probably Damaging"; Align-GVGD: "Class C0"). In summary, the available evidence is currently insufficient to determine the role of this variant in disease. Therefore, it has been classified as a Variant of Uncertain Significance.